The following is an entry in ClinVar:

ClinVar aggregate classification (germline): Uncertain significance. Review status: criteria provided, multiple submitters, no conflicts (2 of 4 stars). 5 submissions from 5 submitters: Uncertain significance (5). Last evaluated 2025-10-31.

Conditions:
Hereditary cancer-predisposing syndrome. Also called: Neoplastic Syndromes, Hereditary; Tumor predisposition; Hereditary neoplastic syndrome; Hereditary Cancer Syndrome. Identifiers: Orphanet 140162, MedGen C0027672, MeSH D009386, MONDO:0015356.
Familial adenomatous polyposis 1 (FAP1). Also called: POLYPOSIS, ADENOMATOUS INTESTINAL; FAMILIAL ADENOMATOUS POLYPOSIS 1, ATTENUATED. Identifiers: MedGen C2713442, MONDO:0021056, OMIM 175100. Disease mechanism: loss of function.

Submissions (5):

Quest Diagnostics Nichols Institute San Juan Capistrano
Classification: Uncertain significance. Last evaluated: 2025-10-31. Review status: criteria provided, single submitter. Criteria: Quest Diagnostics criteria. Collection method: clinical testing. Allele origin: unknown.
Comment: The APC c.6854T>C (p.Val2285Ala) variant has not been reported in individuals with APC-related conditions in the published literature. This variant has not been reported in large, multi-ethnic general populations (Genome Aggregation Database). Analysis of this variant using bioinformatics tools for the prediction of the effect of amino acid changes on protein structure and function yielded predictions that this variant is benign. Based on the available information, we are unable to determine the clinical significance of this variant.

Labcorp Genetics (formerly Invitae), Labcorp
Classification: Uncertain significance for Familial adenomatous polyposis 1. Last evaluated: 2024-06-05. Review status: criteria provided, single submitter. Criteria: Invitae Variant Classification Sherloc (09022015). Collection method: clinical testing. Allele origin: germline.
Comment: This sequence change replaces valine, which is neutral and non-polar, with alanine, which is neutral and non-polar, at codon 2285 of the APC protein (p.Val2285Ala). This variant is not present in population databases (gnomAD no frequency). This variant has not been reported in the literature in individuals affected with APC-related conditions. ClinVar contains an entry for this variant (Variation ID: 628963). Advanced modeling of protein sequence and biophysical properties (such as structural, functional, and spatial information, amino acid conservation, physicochemical variation, residue mobility, and thermodynamic stability) performed at Invitae indicates that this missense variant is not expected to disrupt APC protein function with a negative predictive value of 95%. In summary, the available evidence is currently insufficient to determine the role of this variant in disease. Therefore, it has been classified as a Variant of Uncertain Significance.

Baylor Genetics
Classification: Uncertain significance for Familial adenomatous polyposis 1. Last evaluated: 2024-02-22. Review status: criteria provided, single submitter. Criteria: ACMG Guidelines, 2015. Collection method: clinical testing. Allele origin: unknown.

Color Diagnostics, LLC DBA Color Health
Classification: Uncertain significance for Hereditary cancer-predisposing syndrome. Last evaluated: 2023-12-04. Review status: criteria provided, single submitter. Criteria: ACMG Guidelines, 2015. Collection method: clinical testing. Allele origin: germline.
Comment: This missense variant replaces valine with alanine at codon 2285 of the APC protein. Computational prediction suggests that this variant may not impact protein structure and function (internally defined REVEL score threshold <= 0.5, PMID: 27666373). To our knowledge, functional studies have not been reported for this variant. This variant has not been reported in individuals affected with APC-related disorders in the literature. This variant has not been identified in the general population by the Genome Aggregation Database (gnomAD). The available evidence is insufficient to determine the role of this variant in disease conclusively. Therefore, this variant is classified as a Variant of Uncertain Significance.

Ambry Genetics
Classification: Uncertain significance for Hereditary cancer-predisposing syndrome. Last evaluated: 2023-03-03. Review status: criteria provided, single submitter. Criteria: Ambry Variant Classification Scheme 2023. Collection method: clinical testing. Allele origin: germline.
Comment: The p.V2285A variant (also known as c.6854T>C), located in coding exon 15 of the APC gene, results from a T to C substitution at nucleotide position 6854. The valine at codon 2285 is replaced by alanine, an amino acid with similar properties. This amino acid position is not well conserved in available vertebrate species. In addition, in silico predictors for this gene do not accurately predict pathogenicity. Since supporting evidence is limited at this time, the clinical significance of this alteration remains unclear.

NM_000038.6(APC):c.6854T>C (p.Val2285Ala)

Gene: APC (APC regulator of Wnt signaling pathway; plus strand). Cytogenetic location: 5q22.2.
Variant type: single nucleotide variant.
Coding change: c.6854T>C on transcript NM_000038.6 (MANE Select); coding-DNA position 6854, T replaced by C.
Protein change: p.Val2285Ala; replaces valine 2285 with alanine.
Molecular consequence: missense variant.
Genome position (GRCh38, 1-based): chr5:112,842,448, T>C. VCF-style: chr5-112842448-T-C. GRCh37 (hg19) VCF-style: chr5-112178145-T-C.
Other names: c.6854T>C, p.Val2285Ala (NM_001127510.3, NM_001354895.2); c.6800T>C, p.Val2267Ala (NM_001127511.3); c.6908T>C, p.Val2303Ala (NM_001354896.2); c.6884T>C, p.Val2295Ala (NM_001354897.2); c.6779T>C, p.Val2260Ala (NM_001354898.2); c.6770T>C, p.Val2257Ala (NM_001354899.2); c.6731T>C, p.Val2244Ala (NM_001354900.2); c.6677T>C, p.Val2226Ala (NM_001354901.2); and 5 more; short protein forms V2267A, V2285A, V2295A, V2125A, V2184A, V2260A, V2303A, V2002A.
Identifiers: ClinVar variation 628963 (VCV000628963.23), dbSNP rs1561610705, ClinGen allele CA16036294.